The following is an entry in ClinVar:

NM_004006.3(DMD):c.8546G>C (p.Arg2849Thr)

Gene: DMD (dystrophin; minus strand). Cytogenetic location: Xp21.2.
Variant type: single nucleotide variant.
Coding change: c.8546G>C on transcript NM_004006.3 (MANE Select); coding-DNA position 8546, G replaced by C.
Protein change: p.Arg2849Thr; replaces arginine 2849 with threonine.
Molecular consequence: missense variant.
Genome position (GRCh38, 1-based): chrX:31,496,789, C>G on the plus strand (G>C on the coding strand, the complement: DMD is on the minus strand). VCF-style: chrX-31496789-C-G. GRCh37 (hg19) VCF-style: chrX-31514906-C-G.
Other names: c.8522G>C, p.Arg2841Thr (NM_000109.4); c.8534G>C, p.Arg2845Thr (NM_004009.3); c.8177G>C, p.Arg2726Thr (NM_004010.3); c.4523G>C, p.Arg1508Thr (NM_004011.4); c.4514G>C, p.Arg1505Thr (NM_004012.4); c.1166G>C, p.Arg389Thr (NM_004013.3, NM_004020.4, NM_004021.3 and 2 more transcripts); c.359G>C, p.Arg120Thr (NM_004014.3); short protein forms R2841T, R2845T, R389T, R1505T, R1508T, R2726T, R120T, R2849T.
Identifiers: ClinVar variation 2755924 (VCV002755924.3), dbSNP rs2525729716, ClinGen allele CA412655353.

ClinVar aggregate classification (germline): Uncertain significance (1 of 4 stars; one submission).

Conditions:
Duchenne muscular dystrophy (DMD). Also called: MUSCULAR DYSTROPHY, PSEUDOHYPERTROPHIC PROGRESSIVE, DUCHENNE TYPE; Duchenne Muscular Dystrophy (DMD). Identifiers: Orphanet 98896, MedGen C0013264, MONDO:0010679, OMIM 310200.

Submission:

Labcorp Genetics (formerly Invitae), Labcorp
Classification: Uncertain significance for Duchenne muscular dystrophy. Last evaluated: 2023-08-28. Review status: criteria provided, single submitter. Criteria: Invitae Variant Classification Sherloc (09022015). Collection method: clinical testing. Allele origin: germline.
Comment: In summary, the available evidence is currently insufficient to determine the role of this variant in disease. Therefore, it has been classified as a Variant of Uncertain Significance. An algorithm developed to predict the effect of missense changes on protein structure and function (PolyPhen-2) suggests that this variant is likely to be tolerated. This variant has not been reported in the literature in individuals affected with DMD-related conditions. This variant is not present in population databases (gnomAD no frequency). This sequence change replaces arginine, which is basic and polar, with threonine, which is neutral and polar, at codon 2849 of the DMD protein (p.Arg2849Thr).